The following is an entry in ClinVar:

ClinVar aggregate classification (germline): Uncertain significance (1 of 4 stars; one submission).

Submission:

Labcorp Genetics (formerly Invitae), Labcorp
Classification: Uncertain significance. Last evaluated: 2024-06-12. Review status: criteria provided, single submitter. Criteria: Invitae Variant Classification Sherloc (09022015). Collection method: clinical testing. Allele origin: germline.
Comment: This sequence change replaces phenylalanine, which is neutral and non-polar, with serine, which is neutral and polar, at codon 19 of the ARHGEF1 protein (p.Phe19Ser). This variant is not present in population databases (gnomAD no frequency). This variant has not been reported in the literature in individuals affected with ARHGEF1-related conditions. An algorithm developed to predict the effect of missense changes on protein structure and function (PolyPhen-2) suggests that this variant is likely to be tolerated. In summary, the available evidence is currently insufficient to determine the role of this variant in disease. Therefore, it has been classified as a Variant of Uncertain Significance.

NM_004706.4(ARHGEF1):c.11T>C (p.Phe4Ser)

Gene: ARHGEF1 (Rho guanine nucleotide exchange factor 1; plus strand). Cytogenetic location: 19q13.2.
Variant type: single nucleotide variant.
Coding change: c.11T>C on transcript NM_004706.4 (MANE Select); coding-DNA position 11, T replaced by C.
Protein change: p.Phe4Ser; replaces phenylalanine 4 with serine.
Molecular consequence: missense variant. On other transcripts: non-coding transcript variant (2).
Genome position (GRCh38, 1-based): chr19:41,888,093, T>C. VCF-style: chr19-41888093-T-C. GRCh37 (hg19) VCF-style: chr19-42392164-T-C.
Other names: c.11T>C, p.Phe4Ser (NM_001396000.1, NM_001396002.1, NM_001396003.1 and 3 more transcripts); c.56T>C, p.Phe19Ser (NM_199002.2); short protein forms F19S, F4S.
Identifiers: ClinVar variation 3656327 (VCV003656327.2).